The following is an entry in ClinVar:

ClinVar aggregate classification (germline): Uncertain significance. Review status: criteria provided, multiple submitters, no conflicts (2 of 4 stars). 3 submissions from 3 submitters: Uncertain significance (3). Last evaluated 2024-04-24.

Conditions:
Hereditary cancer-predisposing syndrome. Also called: Hereditary neoplastic syndrome; Hereditary Cancer Syndrome; Tumor predisposition; Neoplastic Syndromes, Hereditary. Identifiers: Orphanet 140162, MedGen C0027672, MeSH D009386, MONDO:0015356.
Isolated focal cortical dysplasia type II (FCORD2). Also called: CORTICAL DYSPLASIA OF TAYLOR; Focal cortical dysplasia type II. Identifiers: Orphanet 268994, MedGen C1846385, MONDO:0011818, OMIM 607341, HP:0032051.
Tuberous sclerosis 2 (TSC2). Identifiers: Orphanet 805, MedGen C1860707, MONDO:0013199, OMIM 613254.

Allele frequency attached by ClinVar (database versions not stated): gnomAD exomes below 0.00001.
gnomAD v4.1: 1 of 1,601,176 alleles (0.000062%); highest among the groups gnomAD compares: South Asian, 0.0011%; no homozygotes.

Submissions (3):

Ambry Genetics
Classification: Uncertain significance for Hereditary cancer-predisposing syndrome. Last evaluated: 2024-04-24. Review status: criteria provided, single submitter. Criteria: Ambry Variant Classification Scheme 2023. Collection method: clinical testing. Allele origin: germline.
Comment: The p.A1467V variant (also known as c.4400C>T), located in coding exon 33 of the TSC2 gene, results from a C to T substitution at nucleotide position 4400. The alanine at codon 1467 is replaced by valine, an amino acid with similar properties. This amino acid position is conserved. In addition, the in silico prediction for this alteration is inconclusive. Based on the available evidence, the clinical significance of this variant remains unclear.

Labcorp Genetics (formerly Invitae), Labcorp
Classification: Uncertain significance for Tuberous sclerosis 2. Last evaluated: 2024-04-10. Review status: criteria provided, single submitter. Criteria: Invitae Variant Classification Sherloc (09022015). Collection method: clinical testing. Allele origin: germline.
Comment: This sequence change replaces alanine, which is neutral and non-polar, with valine, which is neutral and non-polar, at codon 1467 of the TSC2 protein (p.Ala1467Val). This variant is not present in population databases (gnomAD no frequency). This variant has not been reported in the literature in individuals affected with TSC2-related conditions. ClinVar contains an entry for this variant (Variation ID: 966044). Advanced modeling of protein sequence and biophysical properties (such as structural, functional, and spatial information, amino acid conservation, physicochemical variation, residue mobility, and thermodynamic stability) performed at Invitae indicates that this missense variant is not expected to disrupt TSC2 protein function with a negative predictive value of 95%. In summary, the available evidence is currently insufficient to determine the role of this variant in disease. Therefore, it has been classified as a Variant of Uncertain Significance.

Baylor Genetics
Classification: Uncertain significance for Isolated focal cortical dysplasia type II. Last evaluated: 2022-07-12. Review status: criteria provided, single submitter. Criteria: ACMG Guidelines, 2015. Collection method: clinical testing. Allele origin: unknown.

NM_000548.5(TSC2):c.4400C>T (p.Ala1467Val)

Gene: TSC2 (TSC complex subunit 2; plus strand). Cytogenetic location: 16p13.3.
Variant type: single nucleotide variant.
Coding change: c.4400C>T on transcript NM_000548.5 (MANE Select); coding-DNA position 4400, C replaced by T.
Protein change: p.Ala1467Val; replaces alanine 1467 with valine.
Molecular consequence: missense variant.
Genome position (GRCh38, 1-based): chr16:2,084,622, C>T. VCF-style: chr16-2084622-C-T. GRCh37 (hg19) VCF-style: chr16-2134623-C-T.
Other names: c.4199C>T, p.Ala1400Val (NM_001077183.3); c.4331C>T, p.Ala1444Val (NM_001114382.3); c.4091C>T, p.Ala1364Val (NM_001318827.2); c.4055C>T, p.Ala1352Val (NM_001318829.2); c.3668C>T, p.Ala1223Val (NM_001318831.2); c.4232C>T, p.Ala1411Val (NM_001318832.2); c.4202C>T, p.Ala1401Val (NM_001363528.2); c.4268C>T, p.Ala1423Val (NM_001370404.1); and 1 more; short protein forms A1400V, A1467V, A1401V, A1411V, A1423V, A1424V, A1223V, A1352V.
Identifiers: ClinVar variation 966044 (VCV000966044.11), dbSNP rs2090531407, ClinGen allele CA394301978.